The following is an entry in ClinVar:

ClinVar aggregate classification (germline): Benign/Likely benign. Review status: criteria provided, multiple submitters, no conflicts (2 of 4 stars). 2 submissions from 2 submitters: Benign (1); Likely benign (1). Last evaluated 2025-04-29.

Conditions:
Spastic paraplegia. Identifiers: MedGen C0037772, HP:0001258.

Allele frequency attached by ClinVar (database versions not stated): ESP Exome Variant Server 0.00015; gnomAD 0.00029; ExAC 0.00044; TOPMed 0.00044; gnomAD exomes 0.00048.
gnomAD v4.1: 423 of 1,613,628 alleles (0.026%); highest among the groups gnomAD compares: African/African-American, 0.035%; no homozygotes.

Submissions (2):

Labcorp Genetics (formerly Invitae), Labcorp
Classification: Benign for Spastic paraplegia. Last evaluated: 2025-04-29. Review status: criteria provided, single submitter. Criteria: Invitae Variant Classification Sherloc (09022015). Collection method: clinical testing. Allele origin: germline.

GeneDx
Classification: Likely benign. Last evaluated: 2018-05-14. Review status: criteria provided, single submitter. Criteria: GeneDx Variant Classification (06012015). Collection method: clinical testing. Allele origin: germline. Affected: yes.
Comment: This variant is considered likely benign or benign based on one or more of the following criteria: it is a conservative change, it occurs at a poorly conserved position in the protein, it is predicted to be benign by multiple in silico algorithms, and/or has population frequency not consistent with disease.

NM_005619.5(RTN2):c.1450+17G>A

Genes: OPA3-RTN2 (OPA3-RTN2 readthrough; minus strand), RTN2 (reticulon 2; minus strand). Cytogenetic location: 19q13.32.
Variant type: single nucleotide variant.
Coding change: c.1450+17G>A on transcript NM_005619.5 (MANE Select); 17 bases into the intron after coding-DNA position 1450, G replaced by A.
Molecular consequence: intron variant.
Genome position (GRCh38, 1-based): chr19:45,488,620, C>T on the plus strand (G>A on the coding strand, the complement: RTN2 is on the minus strand). VCF-style: chr19-45488620-C-T. GRCh37 (hg19) VCF-style: chr19-45991878-C-T.
Other names: c.1231+17G>A (NM_206900.3); c.430+17G>A (NM_206901.3).
Identifiers: ClinVar variation 668281 (VCV000668281.7), dbSNP rs200479692, ClinGen allele CA9515969.